The following is an entry in ClinVar:

NM_207361.6(FREM2):c.2449A>G (p.Thr817Ala)

Gene: FREM2 (FRAS1 related extracellular matrix 2; plus strand). Cytogenetic location: 13q13.3.
Variant type: single nucleotide variant.
Coding change: c.2449A>G on transcript NM_207361.6 (MANE Select); coding-DNA position 2449, A replaced by G.
Protein change: p.Thr817Ala; replaces threonine 817 with alanine.
Molecular consequence: missense variant.
Genome position (GRCh38, 1-based): chr13:38,689,793, A>G. VCF-style: chr13-38689793-A-G. GRCh37 (hg19) VCF-style: chr13-39263930-A-G.
Other names: short protein forms T817A.
Identifiers: ClinVar variation 2585472 (VCV002585472.1), dbSNP rs1566104096, ClinGen allele CA387888840.

ClinVar aggregate classification (germline): Uncertain significance (1 of 4 stars; one submission).

Conditions:
Fraser syndrome 2 (FRASRS2). Identifiers: MedGen C4540036, MONDO:0054738, OMIM 617666.

Allele frequency attached by ClinVar (database versions not stated): gnomAD exomes below 0.00001.
gnomAD v4.1: 1 of 1,613,852 alleles (0.000062%); highest among the groups gnomAD compares: South Asian, 0.0011%; no homozygotes.

Submission:

Neuberg Centre For Genomic Medicine, NCGM
Classification: Uncertain significance for Fraser syndrome 2. Review status: criteria provided, single submitter. Criteria: ACMG Guidelines, 2015. Collection method: clinical testing. Allele origin: germline. Inheritance: Autosomal recessive inheritance. Affected: yes.
Comment: The missense c.2449A>G (p.Thr817Ala) variant in FREM2 gene has not been reported previously as a pathogenic variant nor as a benign variant, to our knowledge. This variant is reported with the allele frequency 0.0003% in the gnomAD and novel in 1000 genome database. The amino acid Thr at position 817 is changed to a Ala changing protein sequence and it might alter its composition and physico-chemical properties. The residue is conserved across species. The amino acid change p.Thr817Ala in FREM2 is predicted as conserved by GERP++ and PhyloP across 100 vertebrates. For these reasons, this variant has been classified as Uncertain Significance.